The following is an entry in ClinVar:

NM_003672.4(CDC14A):c.512A>T (p.His171Leu)

Gene: CDC14A (cell division cycle 14A; plus strand). Cytogenetic location: 1p21.2.
Variant type: single nucleotide variant.
Coding change: c.512A>T on transcript NM_003672.4 (MANE Select); coding-DNA position 512, A replaced by T.
Protein change: p.His171Leu; replaces histidine 171 with leucine.
Molecular consequence: missense variant. On other transcripts: 5 prime UTR variant (1).
Genome position (GRCh38, 1-based): chr1:100,442,989, A>T. VCF-style: chr1-100442989-A-T. GRCh37 (hg19) VCF-style: chr1-100908545-A-T.
Other names: c.512A>T, p.His171Leu (NM_001319210.2, NM_033312.3, NM_033313.3); c.338A>T, p.His113Leu (NM_001319211.2); c.-280A>T (NM_001319212.2); short protein forms H113L, H171L.
Identifiers: ClinVar variation 1405587 (VCV001405587.22), dbSNP rs780275633, ClinGen allele CA970596.

ClinVar aggregate classification (germline): Uncertain significance. Review status: criteria provided, multiple submitters, no conflicts (2 of 4 stars). 3 submissions from 3 submitters: Uncertain significance (3). Last evaluated 2025-09-23.

Allele frequency attached by ClinVar (database versions not stated): gnomAD exomes 0.00009 and 0.00020; TOPMed 0.00012; ExAC 0.00013; gnomAD 0.00015 and 0.00016.
gnomAD v4.1: 296 of 1,587,970 alleles (0.019%); highest among the groups gnomAD compares: Non-Finnish European, 0.024%; no homozygotes.

Submissions (3):

GeneDx
Classification: Uncertain significance. Last evaluated: 2025-09-23. Review status: criteria provided, single submitter. Criteria: GeneDx Variant Classification Process June 2021. Collection method: clinical testing. Allele origin: germline. Affected: yes.
Comment: In silico analysis supports that this missense variant has a deleterious effect on protein structure/function; Has not been previously published as pathogenic or benign to our knowledge

CeGaT Center for Human Genetics Tuebingen
Classification: Uncertain significance. Last evaluated: 2024-11-01. Review status: criteria provided, single submitter. Criteria: CeGaT Center For Human Genetics Tuebingen Variant Classification Criteria Version 2. Collection method: clinical testing. Allele origin: germline. Affected: yes. Observed: 1 variant allele.
Comment: CDC14A: PM2, BP5

Labcorp Genetics (formerly Invitae), Labcorp
Classification: Uncertain significance. Last evaluated: 2022-06-09. Review status: criteria provided, single submitter. Criteria: Invitae Variant Classification Sherloc (09022015). Collection method: clinical testing. Allele origin: germline.
Comment: This sequence change replaces histidine, which is basic and polar, with leucine, which is neutral and non-polar, at codon 171 of the CDC14A protein (p.His171Leu). This variant is present in population databases (rs780275633, gnomAD 0.02%). This variant has not been reported in the literature in individuals affected with CDC14A-related conditions. Algorithms developed to predict the effect of missense changes on protein structure and function (SIFT, PolyPhen-2, Align-GVGD) all suggest that this variant is likely to be tolerated. In summary, the available evidence is currently insufficient to determine the role of this variant in disease. Therefore, it has been classified as a Variant of Uncertain Significance.